The following is an entry in ClinVar:

NM_005188.4(CBL):c.2542G>A (p.Ala848Thr)

Gene: CBL (Cbl proto-oncogene; plus strand). Cytogenetic location: 11q23.3.
Variant type: single nucleotide variant.
Coding change: c.2542G>A on transcript NM_005188.4 (MANE Select); coding-DNA position 2542, G replaced by A.
Protein change: p.Ala848Thr; replaces alanine 848 with threonine.
Molecular consequence: missense variant.
Genome position (GRCh38, 1-based): chr11:119,299,602, G>A. VCF-style: chr11-119299602-G-A. GRCh37 (hg19) VCF-style: chr11-119170312-G-A.
Other names: p.A848T:GCC>ACC; short protein forms A848T.
Identifiers: ClinVar variation 40425 (VCV000040425.44), dbSNP rs141710973, ClinGen allele CA282052.

ClinVar aggregate classification (germline): Benign/Likely benign. Review status: criteria provided, multiple submitters, no conflicts (2 of 4 stars). 10 submissions from 10 submitters: Benign (1); Likely benign (9). Last evaluated 2026-02-16.

Conditions:
Cardiovascular phenotype. Identifiers: MedGen CN230736.
RASopathy. Also called: rasopathies; Noonan spectrum disorder. Identifiers: Orphanet 536391, MedGen C5555857, MONDO:0021060.

Allele frequency attached by ClinVar (database versions not stated): 1000 Genomes Project 0.00060; gnomAD exomes 0.00004; gnomAD 0.00010; TOPMed 0.00037; ESP Exome Variant Server 0.00038; 1000 Genomes Project 30x 0.00047.
gnomAD v4.1: 110 of 1,614,132 alleles (0.0068%); highest among the groups gnomAD compares: African/African-American, 0.1%; 1 homozygote.

Submissions (10):

Ambry Genetics
Classification: Benign for Cardiovascular phenotype. Last evaluated: 2026-02-16. Review status: criteria provided, single submitter. Criteria: Ambry Variant Classification Scheme 2023. Collection method: clinical testing. Allele origin: germline.

Labcorp Genetics (formerly Invitae), Labcorp
Classification: Likely benign for RASopathy. Last evaluated: 2026-01-06. Review status: criteria provided, single submitter. Criteria: Invitae Variant Classification Sherloc (09022015). Collection method: clinical testing. Allele origin: germline.

Blueprint Genetics
Classification: Likely benign. Last evaluated: 2024-05-21. Review status: criteria provided, single submitter. Criteria: ACMG Guidelines, 2015. Collection method: clinical testing. Allele origin: germline.

ARUP Laboratories, Molecular Genetics and Genomics, ARUP Laboratories
Classification: Likely benign. Last evaluated: 2023-09-21. Review status: criteria provided, single submitter. Criteria: ARUP Molecular Germline Variant Investigation Process 2024. Collection method: clinical testing. Allele origin: germline.

CeGaT Center for Human Genetics Tuebingen
Classification: Likely benign. Last evaluated: 2023-09-01. Review status: criteria provided, single submitter. Criteria: CeGaT Center For Human Genetics Tuebingen Variant Classification Criteria Version 2. Collection method: clinical testing. Allele origin: germline. Affected: yes. Observed: 1 variant allele.
Comment: CBL: BP4, BS1

Genetic Services Laboratory, University of Chicago
Classification: Likely benign. Last evaluated: 2020-12-03. Review status: criteria provided, single submitter. Criteria: ACMG Guidelines, 2015. Collection method: clinical testing. Allele origin: germline. Affected: no.

Women's Health and Genetics/Laboratory Corporation of America, LabCorp
Classification: Likely benign. Last evaluated: 2019-12-24. Review status: criteria provided, single submitter. Criteria: LabCorp Variant Classification Summary - May 2015. Collection method: clinical testing. Allele origin: germline.
Comment: Variant summary: CBL c.2542G>A (p.Ala848Thr) results in a non-conservative amino acid change in the encoded protein sequence. Four of five in-silico tools predict a benign effect of the variant on protein function. The variant allele was found at a frequency of 0.00015 in 251470 control chromosomes. The observed variant frequency is approximately 60 fold of the estimated maximal expected allele frequency for a pathogenic variant in CBL causing Noonan Syndrome and Related Conditions phenotype (2.5e-06), strongly suggesting that the variant is benign. c.2542G>A has been reported in the literature in a study examining the prevalence of germline mutations in pediatric cancer where it was classified with a panel decision of probably benign (Zhang_2015). This report does not provide unequivocal conclusions about association of the variant with Noonan Syndrome and Related Conditions. To our knowledge, no experimental evidence demonstrating an impact on protein function has been reported. One clinical diagnostic laboratory has submitted clinical-significance assessments for this variant to ClinVar after 2014 without evidence for independent evaluation and classified the variant as likely benign. Based on the evidence outlined above, the variant was classified as likely benign.

GeneDx
Classification: Likely benign. Last evaluated: 2012-08-20. Review status: criteria provided, single submitter. Criteria: GeneDx Variant Classification (06012015). Collection method: clinical testing. Allele origin: germline. Affected: yes.
Comment: This variant is considered likely benign or benign based on one or more of the following criteria: it is a conservative change, it occurs at a poorly conserved position in the protein, it is predicted to be benign by multiple in silico algorithms, and/or has population frequency not consistent with disease.

Breakthrough Genomics
Classification: Likely benign. Review status: criteria provided, single submitter. Criteria: ACMG Guidelines, 2015. Collection method: not provided. Allele origin: germline. Inheritance: Autosomal dominant inheritance. Affected: yes.

PreventionGenetics, part of Exact Sciences
Classification: Likely benign. Review status: criteria provided, single submitter. Criteria: ACMG Guidelines, 2015. Collection method: clinical testing. Allele origin: germline.

Literature cited by the submitters: PubMed 26580448 (cited by Women's Health and Genetics/Laboratory Corporation of America, LabCorp).